The following is an entry in ClinVar:

NM_006904.7(PRKDC):c.4907A>G (p.Asp1636Gly)

Gene: PRKDC (protein kinase, DNA-activated, catalytic subunit; minus strand). Cytogenetic location: 8q11.21.
Variant type: single nucleotide variant.
Coding change: c.4907A>G on transcript NM_006904.7 (MANE Select); coding-DNA position 4907, A replaced by G.
Protein change: p.Asp1636Gly; replaces aspartic acid 1636 with glycine.
Molecular consequence: missense variant.
Genome position (GRCh38, 1-based): chr8:47,881,967, T>C on the plus strand (A>G on the coding strand, the complement: PRKDC is on the minus strand). VCF-style: chr8-47881967-T-C. GRCh37 (hg19) VCF-style: chr8-48794528-T-C.
Other names: c.4907A>G, p.Asp1636Gly (NM_001081640.2); short protein forms D1636G.
Identifiers: ClinVar variation 475229 (VCV000475229.7), dbSNP rs768811819, ClinGen allele CA4740771.

ClinVar aggregate classification (germline): Uncertain significance (1 of 4 stars; one submission).

Conditions:
Severe combined immunodeficiency due to DNA-PKcs deficiency. Also called: IMMUNODEFICIENCY 26 WITH NEUROLOGIC ABNORMALITIES; Immunodeficiency 26 with or without neurologic abnormalities. Identifiers: Orphanet 317425, MedGen C4014833, MONDO:0014423, OMIM 615966.

Allele frequency attached by ClinVar (database versions not stated): gnomAD exomes 0.00001 and 0.00002; TOPMed 0.00001; ExAC 0.00003.
gnomAD v4.1: 21 of 1,613,916 alleles (0.0013%); highest among the groups gnomAD compares: South Asian, 0.015%; no homozygotes.

Submission:

Labcorp Genetics (formerly Invitae), Labcorp
Classification: Uncertain significance for Severe combined immunodeficiency due to DNA-PKcs deficiency. Last evaluated: 2020-01-03. Review status: criteria provided, single submitter. Criteria: Invitae Variant Classification Sherloc (09022015). Collection method: clinical testing. Allele origin: germline.
Comment: This sequence change replaces aspartic acid with glycine at codon 1636 of the PRKDC protein (p.Asp1636Gly). The aspartic acid residue is moderately conserved and there is a moderate physicochemical difference between aspartic acid and glycine. In summary, this variant has uncertain impact on PRKDC function. The available evidence is currently insufficient to determine its role in disease. Therefore, it has been classified as a Variant of Uncertain Significance. Algorithms developed to predict the effect of missense changes on protein structure and function output the following: SIFT: "Tolerated"; PolyPhen-2: "Benign"; Align-GVGD: "Class C0". The glycine amino acid residue is found in multiple mammalian species, suggesting that this missense change does not adversely affect protein function. These predictions have not been confirmed by published functional studies and their clinical significance is uncertain. This variant has not been reported in the literature in individuals with a PRKDC-related disease. This variant is present in population databases (rs768811819, ExAC 0.02%).